The following is an entry in ClinVar:

ClinVar aggregate classification (germline): Likely benign. Review status: criteria provided, multiple submitters, no conflicts (2 of 4 stars). 4 submissions from 4 submitters: Likely benign (3). 1 of the submissions does not count toward it. Last evaluated 2025-08-11.

Conditions:
FBN2-related disorder. Also called: FBN2-related condition.
Familial thoracic aortic aneurysm and aortic dissection (TAAD). Also called: Thoracic aortic aneurysms and dissections. Identifiers: Orphanet 91387, MedGen C4707243, MONDO:0019625.
Congenital contractural arachnodactyly (CCA). Also called: Beals-Hecht syndrome; BEALS SYNDROME; Arthrogryposis, distal, type 9. Identifiers: Orphanet 115, MedGen C0220668, MONDO:0007363, OMIM 121050.

Allele frequency attached by ClinVar (database versions not stated): ExAC 0.00002; gnomAD exomes 0.00002 and 0.00008.
gnomAD v4.1: 118 of 1,613,994 alleles (0.0073%); highest among the groups gnomAD compares: Middle Eastern, 0.017%; no homozygotes.

Submissions (4):

Labcorp Genetics (formerly Invitae), Labcorp
Classification: Likely benign for Congenital contractural arachnodactyly. Last evaluated: 2025-08-11. Review status: criteria provided, single submitter. Criteria: Invitae Variant Classification Sherloc (09022015). Collection method: clinical testing. Allele origin: germline.

Ambry Genetics
Classification: Likely benign for Familial thoracic aortic aneurysm and aortic dissection. Last evaluated: 2024-09-14. Review status: criteria provided, single submitter. Criteria: Ambry Variant Classification Scheme 2023. Collection method: clinical testing. Allele origin: germline.

Women's Health and Genetics/Laboratory Corporation of America, LabCorp
Classification: Likely benign. Last evaluated: 2023-08-10. Review status: criteria provided, single submitter. Criteria: LabCorp Variant Classification Summary - May 2015. Collection method: clinical testing. Allele origin: germline.

PreventionGenetics, part of Exact Sciences
Classification: Likely benign for FBN2-related condition. Last evaluated: 2022-01-12. Review status: no assertion criteria provided. Collection method: clinical testing. Allele origin: germline. Not counted in ClinVar's aggregate classification.
Comment: This variant is classified as likely benign based on ACMG/AMP sequence variant interpretation guidelines (Richards et al. 2015 PMID: 25741868, with internal and published modifications).

NM_001999.4(FBN2):c.1434C>T (p.Ala478=)

Gene: FBN2 (fibrillin 2; minus strand). Cytogenetic location: 5q23.3.
Variant type: single nucleotide variant.
Coding change: c.1434C>T on transcript NM_001999.4 (MANE Select); coding-DNA position 1434, C replaced by T.
Protein change: p.Ala478=; no amino-acid change (alanine 478 retained).
Molecular consequence: synonymous variant.
Genome position (GRCh38, 1-based): chr5:128,393,166, G>A on the plus strand (C>T on the coding strand, the complement: FBN2 is on the minus strand). VCF-style: chr5-128393166-G-A. GRCh37 (hg19) VCF-style: chr5-127728859-G-A.
Identifiers: ClinVar variation 528446 (VCV000528446.12), dbSNP rs755786214, ClinGen allele CA3395801.